The following is an entry in ClinVar:

ClinVar aggregate classification (germline): Uncertain significance (1 of 4 stars; one submission).

Conditions:
Developmental and epileptic encephalopathy, 12 (DEE12). Identifiers: MedGen C3150988, MONDO:0013389, OMIM 613722.

Submission:

Labcorp Genetics (formerly Invitae), Labcorp
Classification: Uncertain significance for Developmental and epileptic encephalopathy, 12. Last evaluated: 2022-03-04. Review status: criteria provided, single submitter. Criteria: Invitae Variant Classification Sherloc (09022015). Collection method: clinical testing. Allele origin: germline.
Comment: In summary, the available evidence is currently insufficient to determine the role of this variant in disease. Therefore, it has been classified as a Variant of Uncertain Significance. Algorithms developed to predict the effect of missense changes on protein structure and function are either unavailable or do not agree on the potential impact of this missense change (SIFT: "Deleterious"; PolyPhen-2: "Probably Damaging"; Align-GVGD: "Class C0"). This variant has not been reported in the literature in individuals affected with PLCB1-related conditions. This variant is not present in population databases (gnomAD no frequency). This sequence change replaces arginine, which is basic and polar, with leucine, which is neutral and non-polar, at codon 603 of the PLCB1 protein (p.Arg603Leu).

NM_015192.4(PLCB1):c.1808G>T (p.Arg603Leu)

Gene: PLCB1 (phospholipase C beta 1; plus strand). Cytogenetic location: 20p12.3.
Variant type: single nucleotide variant.
Coding change: c.1808G>T on transcript NM_015192.4 (MANE Select); coding-DNA position 1808, G replaced by T.
Protein change: p.Arg603Leu; replaces arginine 603 with leucine.
Molecular consequence: missense variant.
Genome position (GRCh38, 1-based): chr20:8,729,094, G>T. VCF-style: chr20-8729094-G-T. GRCh37 (hg19) VCF-style: chr20-8709741-G-T.
Other names: c.1808G>T, p.Arg603Leu (NM_182734.3); short protein forms R603L.
Identifiers: ClinVar variation 2106074 (VCV002106074.4), dbSNP rs1980093812, ClinGen allele CA408204448.